The following is an entry in ClinVar:

ClinVar aggregate classification (germline): Pathogenic (1 of 4 stars; one submission).

Conditions:
Duchenne muscular dystrophy (DMD). Also called: Duchenne Muscular Dystrophy (DMD); MUSCULAR DYSTROPHY, PSEUDOHYPERTROPHIC PROGRESSIVE, DUCHENNE TYPE. Identifiers: Orphanet 98896, MedGen C0013264, MONDO:0010679, OMIM 310200.

Submission:

Labcorp Genetics (formerly Invitae), Labcorp
Classification: Pathogenic for Duchenne muscular dystrophy. Last evaluated: 2025-02-25. Review status: criteria provided, single submitter. Criteria: Invitae Variant Classification Sherloc (09022015). Collection method: clinical testing. Allele origin: germline.
Comment: This sequence change creates a premature translational stop signal (p.Gln678Aspfs*41) in the DMD gene. It is expected to result in an absent or disrupted protein product. Loss-of-function variants in DMD are known to be pathogenic (PMID: 16770791, 25007885). This variant is not present in population databases (gnomAD no frequency). This premature translational stop signal has been observed in individual(s) with Duchenne muscular dystrophy (PMID: 30545545). For these reasons, this variant has been classified as Pathogenic.

Literature cited by the submitters: PubMed 16770791; PubMed 25007885; PubMed 30545545.

NM_004006.3(DMD):c.2032_2033del (p.Gln678fs)

Gene: DMD (dystrophin; minus strand). Cytogenetic location: Xp21.1.
Variant type: Microsatellite.
Coding change: c.2032_2033del on transcript NM_004006.3 (MANE Select); coding-DNA positions 2032 to 2033, 2 bases deleted (CA; older notation c.2032_2033delCA).
Protein change: p.Gln678fs; shifts the reading frame from glutamine 678.
Molecular consequence: frameshift variant.
Genome position (GRCh38, 1-based): chrX:32,545,294-32,545,295, TG deleted on the plus strand (CA on the coding strand, the reverse complement: DMD is on the minus strand); deleting any 2 consecutive bases within chrX:32,545,294-32,545,298 gives the same sequence; the c. name uses the placement nearest the transcript's 3' end. VCF-style (leftmost placement, unchanged base first): chrX-32545293-CTG-C. GRCh37 (hg19) VCF-style: chrX-32563410-CTG-C.
Other names: c.2032_2033delCA (NM_004006.2); c.2008_2009del, p.Gln670fs (NM_000109.4); c.2020_2021del, p.Gln674fs (NM_004009.3); c.1663_1664del, p.Gln555fs (NM_004010.3); short protein forms Q674fs, Q678fs, Q670fs, Q555fs.
Identifiers: ClinVar variation 94490 (VCV000094490.9), dbSNP rs398123873, ClinGen allele CA266918.
Genomic context (GRCh38, chrX:32,545,293, plus strand): 5'-ATGCTTTACCAGGATCTGTTCCCTTGTGGTCACCGTAGTTACTGTTTCCATTACAGTTGT[CTG>C]TGTTAGTGATGGCTGAGTGGTGGTGACAGCCTGTGAAATCTGTGAGAAGTATTGAAACAG-3'